The following is an entry in ClinVar:

NM_001330360.2(POLA1):c.3607C>G (p.Gln1203Glu)

Gene: POLA1 (DNA polymerase alpha 1, catalytic subunit; plus strand). Cytogenetic location: Xp22.11.
Variant type: single nucleotide variant.
Coding change: c.3607C>G on transcript NM_001330360.2 (MANE Select); coding-DNA position 3607, C replaced by G.
Protein change: p.Gln1203Glu; replaces glutamine 1203 with glutamic acid.
Molecular consequence: missense variant. On other transcripts: non-coding transcript variant (2).
Genome position (GRCh38, 1-based): chrX:24,826,472, C>G. VCF-style: chrX-24826472-C-G. GRCh37 (hg19) VCF-style: chrX-24844589-C-G.
Other names: c.3532C>G, p.Gln1178Glu (NM_001378303.1); c.3589C>G, p.Gln1197Glu (NM_016937.4); short protein forms Q1197E, Q1178E, Q1203E.
Identifiers: ClinVar variation 1366382 (VCV001366382.30), dbSNP rs2147024426, ClinGen allele CA412528695.

ClinVar aggregate classification (germline): Conflicting classifications of pathogenicity. Review status: criteria provided, conflicting classifications (1 of 4 stars). 3 submissions from 3 submitters: Uncertain significance (2); Likely benign (1). Last evaluated 2026-09-01.

Allele frequency attached by ClinVar (database versions not stated): gnomAD exomes below 0.00001.
gnomAD v4.1: 6 of 1,205,675 alleles (0.0005%); highest among the groups gnomAD compares: Non-Finnish European, 0.00045%; no homozygotes.

Submissions (3):

CeGaT Center for Human Genetics Tuebingen
Classification: Likely benign. Last evaluated: 2026-09-01. Review status: criteria provided, single submitter. Criteria: CeGaT Center For Human Genetics Tuebingen Variant Classification Criteria Version 2. Collection method: clinical testing. Allele origin: germline. Affected: yes. Observed: 2 variant alleles.
Comment: POLA1: PM2, BS2

Blueprint Genetics
Classification: Uncertain significance. Last evaluated: 2024-11-18. Review status: criteria provided, single submitter. Criteria: ACMG Guidelines, 2015. Collection method: clinical testing. Allele origin: germline.

Labcorp Genetics (formerly Invitae), Labcorp
Classification: Uncertain significance. Last evaluated: 2022-10-21. Review status: criteria provided, single submitter. Criteria: Invitae Variant Classification Sherloc (09022015). Collection method: clinical testing. Allele origin: germline.
Comment: Advanced modeling of protein sequence and biophysical properties (such as structural, functional, and spatial information, amino acid conservation, physicochemical variation, residue mobility, and thermodynamic stability) performed at Invitae indicates that this missense variant is not expected to disrupt POLA1 protein function. ClinVar contains an entry for this variant (Variation ID: 1366382). This variant has not been reported in the literature in individuals affected with POLA1-related conditions. This variant is not present in population databases (gnomAD no frequency). This sequence change replaces glutamine, which is neutral and polar, with glutamic acid, which is acidic and polar, at codon 1197 of the POLA1 protein (p.Gln1197Glu). In summary, the available evidence is currently insufficient to determine the role of this variant in disease. Therefore, it has been classified as a Variant of Uncertain Significance.